The following is an entry in ClinVar:

NM_001672.3(ASIP):c.223-9C>T

Genes: AHCY (adenosylhomocysteinase; minus strand), ASIP (agouti signaling protein; plus strand). Cytogenetic location: 20q11.22.
Variant type: single nucleotide variant.
Coding change: c.223-9C>T on transcript NM_001672.3 (MANE Select); 9 bases into the intron before coding-DNA position 223, C replaced by T.
Molecular consequence: intron variant.
Genome position (GRCh38, 1-based): chr20:34,268,982, C>T. VCF-style: chr20-34268982-C-T. GRCh37 (hg19) VCF-style: chr20-32856788-C-T.
Other names: c.223-9C>T (NM_001385218.1).
Identifiers: ClinVar variation 4978683 (VCV004978683.1).

ClinVar aggregate classification (germline): Likely benign (1 of 4 stars; one submission).

Conditions:
ASIP-related condition.

gnomAD v4.1: 2 of 1,598,230 alleles (0.00013%); highest among the groups gnomAD compares: Admixed American, 0.0034%; no homozygotes.

Submission:

PreventionGenetics, part of Exact Sciences
Classification: Likely benign for ASIP-related condition. Last evaluated: 2025-05-27. Review status: criteria provided, single submitter. Criteria: ACMG Guidelines, 2015. Collection method: clinical testing. Allele origin: germline.
Comment: This variant is classified as likely benign based on ACMG/AMP sequence variant interpretation guidelines (Richards et al. 2015 PMID: 25741868, with internal and published modifications).